The following is an entry in ClinVar:

NM_003072.5(SMARCA4):c.1403G>A (p.Arg468His)

Gene: SMARCA4 (SWI/SNF related BAF chromatin remodeling complex subunit ATPase 4; plus strand). Cytogenetic location: 19p13.2.
Variant type: single nucleotide variant.
Coding change: c.1403G>A on transcript NM_003072.5 (MANE Select); coding-DNA position 1403, G replaced by A.
Protein change: p.Arg468His; replaces arginine 468 with histidine.
Molecular consequence: missense variant. On other transcripts: non-coding transcript variant (1).
Genome position (GRCh38, 1-based): chr19:10,991,307, G>A. VCF-style: chr19-10991307-G-A. GRCh37 (hg19) VCF-style: chr19-11101983-G-A.
Other names: c.1403G>A, p.Arg468His (NM_001128844.3, NM_001128845.2, NM_001128846.2 and 5 more transcripts); short protein forms R468H.
Identifiers: ClinVar variation 470243 (VCV000470243.8), dbSNP rs1310204828, ClinGen allele CA404061102.

ClinVar aggregate classification (germline): Uncertain significance. Review status: criteria provided, multiple submitters, no conflicts (2 of 4 stars). 2 submissions from 2 submitters: Uncertain significance (2). Last evaluated 2025-12-12.

Conditions:
Rhabdoid tumor predisposition syndrome 2 (RTPS2). Identifiers: Orphanet 231108, Orphanet 69077, MedGen C2750074, MONDO:0013224, OMIM 613325.
Hereditary cancer-predisposing syndrome. Also called: Hereditary neoplastic syndrome; Neoplastic Syndromes, Hereditary; Tumor predisposition; Hereditary Cancer Syndrome. Identifiers: Orphanet 140162, MedGen C0027672, MeSH D009386, MONDO:0015356.

Allele frequency attached by ClinVar (database versions not stated): TOPMed below 0.00001; gnomAD 0.00001.
gnomAD v4.1: 2 of 1,601,852 alleles (0.00012%); highest among the groups gnomAD compares: East Asian, 0.0023%; no homozygotes.

Submissions (2):

Labcorp Genetics (formerly Invitae), Labcorp
Classification: Uncertain significance for Rhabdoid tumor predisposition syndrome 2. Last evaluated: 2025-12-12. Review status: criteria provided, single submitter. Criteria: Invitae Variant Classification Sherloc (09022015). Collection method: clinical testing. Allele origin: germline.
Comment: This sequence change replaces arginine, which is basic and polar, with histidine, which is basic and polar, at codon 468 of the SMARCA4 protein (p.Arg468His). This variant is not present in population databases (gnomAD no frequency). This variant has not been reported in the literature in individuals affected with SMARCA4-related conditions. ClinVar contains an entry for this variant (Variation ID: 470243). Invitae Evidence Modeling of protein sequence and biophysical properties (such as structural, functional, and spatial information, amino acid conservation, physicochemical variation, residue mobility, and thermodynamic stability) indicates that this missense variant is expected to disrupt SMARCA4 protein function with a positive predictive value of 95%. In summary, the available evidence is currently insufficient to determine the role of this variant in disease. Therefore, it has been classified as a Variant of Uncertain Significance.

Ambry Genetics
Classification: Uncertain significance for Hereditary cancer-predisposing syndrome. Last evaluated: 2025-09-25. Review status: criteria provided, single submitter. Criteria: Ambry Variant Classification Scheme 2023. Collection method: clinical testing. Allele origin: germline.
Comment: The p.R468H variant (also known as c.1403G>A), located in coding exon 7 of the SMARCA4 gene, results from a G to A substitution at nucleotide position 1403. The arginine at codon 468 is replaced by histidine, an amino acid with highly similar properties. This amino acid position is conserved. In addition, the in silico prediction for this alteration is inconclusive. Based on the available evidence, the clinical significance of this variant remains unclear.